The following is an entry in ClinVar:

ClinVar aggregate classification (germline): Uncertain significance (1 of 4 stars; one submission).

Conditions:
Predisposition to Wilms tumor.

Submission:

St. Jude Molecular Pathology, St. Jude Children's Research Hospital
Classification: Uncertain significance for Predisposition to Wilms tumor. Last evaluated: 2026-10-01. Review status: criteria provided, single submitter. Criteria: St. Jude Assertion Criteria 2020. Collection method: clinical testing. Allele origin: germline.
Comment: The TRIM28 c.2371T>G p.(Phe791Val) missense change is absent in gnomAD v2.1.1. The in silico tool REVEL predicts a benign effect on protein function, but to our knowledge this prediction has not been confirmed by functional studies. To our knowledge, this variant has not been reported in individuals with Wilms tumor. In summary, the ev idence currently available is insufficient to determine the clinical significance of this variant. It has therefore been classified as of uncertain significance.

NM_005762.3(TRIM28):c.2371T>G (p.Phe791Val)

Gene: TRIM28 (tripartite motif containing 28; plus strand). Cytogenetic location: 19q13.43.
Variant type: single nucleotide variant.
Coding change: c.2371T>G on transcript NM_005762.3 (MANE Select); coding-DNA position 2371, T replaced by G.
Protein change: p.Phe791Val; replaces phenylalanine 791 with valine.
Molecular consequence: missense variant.
Genome position (GRCh38, 1-based): chr19:58,550,416, T>G. VCF-style: chr19-58550416-T-G. GRCh37 (hg19) VCF-style: chr19-59061783-T-G.
Other names: short protein forms F791V.
Identifiers: ClinVar variation 5038365 (VCV005038365.1).